The following is an entry in ClinVar:

NM_182961.4(SYNE1):c.10883A>G (p.Gln3628Arg)

Gene: SYNE1 (spectrin repeat containing nuclear envelope protein 1; minus strand). Cytogenetic location: 6q25.2.
Variant type: single nucleotide variant.
Coding change: c.10883A>G on transcript NM_182961.4 (MANE Select); coding-DNA position 10883, A replaced by G.
Protein change: p.Gln3628Arg; replaces glutamine 3628 with arginine.
Molecular consequence: missense variant. On other transcripts: intron variant (1).
Genome position (GRCh38, 1-based): chr6:152,354,702, T>C on the plus strand (A>G on the coding strand, the complement: SYNE1 is on the minus strand). VCF-style: chr6-152354702-T-C. GRCh37 (hg19) VCF-style: chr6-152675837-T-C.
Other names: c.10881+23A>G (NM_033071.5); short protein forms Q3628R.
Identifiers: ClinVar variation 2637570 (VCV002637570.1), dbSNP rs765211572, ClinGen allele CA4056861.

ClinVar aggregate classification (germline): Likely benign (1 of 4 stars; one submission).

Allele frequency attached by ClinVar (database versions not stated): ExAC 0.00001; gnomAD 0.00001; gnomAD exomes 0.00001; TOPMed 0.00002.
gnomAD v4.1: 11 of 1,614,142 alleles (0.00068%); highest among the groups gnomAD compares: Non-Finnish European, 0.00093%; no homozygotes.

Submission:

Women's Health and Genetics/Laboratory Corporation of America, LabCorp
Classification: Likely benign. Last evaluated: 2023-10-30. Review status: criteria provided, single submitter. Criteria: LabCorp Variant Classification Summary - May 2015. Collection method: clinical testing. Allele origin: germline.
Comment: Variant summary: SYNE1 c.10881+23A>G is located at a position not widely known to affect splicing. Consensus agreement among computation tools predict no significant impact on normal splicing. However, these predictions have yet to be confirmed by functional studies. The variant allele was found at a frequency of 1.2e-05 in 251440 control chromosomes (gnomAD). The available data on variant occurrences in the general population are insufficient to allow any conclusion about variant significance. To our knowledge, no occurrence of c.10881+23A>G in individuals affected with SYNE1-Related Disorders and no experimental evidence demonstrating its impact on protein function have been reported. No submitters have cited clinical-significance assessments for this variant to ClinVar after 2014. Based on the evidence outlined above, the variant was classified as likely benign.